The following is an entry in ClinVar:

NM_001018115.3(FANCD2):c.2180C>T (p.Pro727Leu)

Genes: FANCD2 (FA complementation group D2; plus strand), LOC107303338 (3p25 FANCD2 Alu-mediated recombination region; plus strand). Cytogenetic location: 3p25.3.
Variant type: single nucleotide variant.
Coding change: c.2180C>T on transcript NM_001018115.3 (MANE Select); coding-DNA position 2180, C replaced by T.
Protein change: p.Pro727Leu; replaces proline 727 with leucine.
Molecular consequence: missense variant.
Genome position (GRCh38, 1-based): chr3:10,065,405, C>T. VCF-style: chr3-10065405-C-T. GRCh37 (hg19) VCF-style: chr3-10107089-C-T.
Other names: c.2180C>T (NM_001018115.2); c.2180C>T, p.Pro727Leu (NM_001319984.2, NM_001374254.1, NM_033084.6); c.2069C>T, p.Pro690Leu (NM_001374253.1); short protein forms P727L, P690L.
Identifiers: ClinVar variation 902056 (VCV000902056.14), dbSNP rs146509445, ClinGen allele CA2249998.

ClinVar aggregate classification (germline): Conflicting classifications of pathogenicity. Review status: criteria provided, conflicting classifications (1 of 4 stars). 5 submissions from 5 submitters: Uncertain significance (4); Likely benign (1). Last evaluated 2026-04-07.

Conditions:
Fanconi anemia (FA). Also called: Fanconi's anemia. Identifiers: Orphanet 84, MedGen C0015625, MeSH D005199, MONDO:0019391.
Fanconi anemia complementation group D2. Also called: FANCD2-Related Fanconi Anemia; FANCONI PANCYTOPENIA, TYPE 4; FANCONI ANEMIA, COMPLEMENTATION GROUP D. Identifiers: Orphanet 84, MedGen C3160738, MONDO:0009214, OMIM 227646.
FANCD2-related disorder. Also called: FANCD2-related condition.

Allele frequency attached by ClinVar (database versions not stated): gnomAD exomes 0.00010 and 0.00016; ExAC 0.00012; 1000 Genomes Project 30x 0.00016; 1000 Genomes Project 0.00020; TOPMed 0.00023; ESP Exome Variant Server 0.00031; gnomAD 0.00034 and 0.00036.
gnomAD v4.1: 288 of 1,612,810 alleles (0.018%); highest among the groups gnomAD compares: African/African-American, 0.099%; 1 homozygote.

Submissions (5):

PreventionGenetics, part of Exact Sciences
Classification: Uncertain significance for FANCD2-related condition. Last evaluated: 2026-04-07. Review status: criteria provided, single submitter. Criteria: ACMG Guidelines, 2015. Collection method: clinical testing. Allele origin: germline.
Comment: The FANCD2 c.2180C>T variant is predicted to result in the amino acid substitution p.Pro727Leu. To our knowledge, this variant has not been reported in the literature. This variant is reported in 0.076% of alleles in individuals of African descent in gnomAD. Although we suspect that this variant may be benign, at this time, the clinical significance of this variant is uncertain due to the absence of conclusive functional and genetic evidence.

Labcorp Genetics (formerly Invitae), Labcorp
Classification: Likely benign for Fanconi anemia. Last evaluated: 2026-01-12. Review status: criteria provided, single submitter. Criteria: Invitae Variant Classification Sherloc (09022015). Collection method: clinical testing. Allele origin: germline.

GeneDx
Classification: Uncertain significance. Last evaluated: 2022-12-01. Review status: criteria provided, single submitter. Criteria: GeneDx Variant Classification Process June 2021. Collection method: clinical testing. Allele origin: germline. Affected: yes.
Comment: Co-observed with a frameshift variant in the MLH1 gene in an individual with colorectal cancer and ovarian germ cell tumor, and reported in an individual with ovarian cancer (de Angelis de Carvalho et al., 2020; Song et al., 2021); In silico analysis supports that this missense variant has a deleterious effect on protein structure/function; This variant is associated with the following publications: (PMID: 32659967, 32546565)

Sema4
Classification: Uncertain significance for Fanconi anemia. Last evaluated: 2021-12-28. Review status: criteria provided, single submitter. Criteria: Sema4 Curation Guidelines. Collection method: curation. Allele origin: germline.
Comment: The FANCD2 c.2180C>T (p.P727L) variant has been reported in heterozygosity in at least 2 individuals with colorectal cancer, Lynch syndrome and/or ovarian cancer (PMID: 32546565, 32659967); however, it was also reported in 2 control individuals from an ovarian cancer study (PMID: 32546565). This variant was observed in 19/24962 chromosomes in the African/African American population, with no homozygotes and 1 homozygote among all ethnicities, according to the Genome Aggregation Database (PMID: 32461654). This variant has been reported in ClinVar (Variation ID: 902056). Functional studies have not been performed, and in silico predictions of the variant's effect on protein function are inconclusive. The evidence is insufficient to meet ACMG/AMP criteria for classifying the variant as benign or pathogenic. Thus, the clinical significance of this variant is currently uncertain.

Illumina Laboratory Services, Illumina
Classification: Uncertain significance for Fanconi anemia complementation group D2. Last evaluated: 2018-01-13. Review status: criteria provided, single submitter. Criteria: ICSL Variant Classification Criteria 13 December 2019. Collection method: clinical testing. Allele origin: germline.

Literature cited by the submitters: PubMed 32546565 (cited by Sema4); PubMed 32659967 (cited by Sema4).